The following is an entry in ClinVar:

NM_001408.3(CELSR2):c.8276A>G (p.Gln2759Arg)

Gene: CELSR2 (cadherin EGF LAG seven-pass G-type receptor 2; plus strand). Cytogenetic location: 1p13.3.
Variant type: single nucleotide variant.
Coding change: c.8276A>G on transcript NM_001408.3 (MANE Select); coding-DNA position 8276, A replaced by G.
Protein change: p.Gln2759Arg; replaces glutamine 2759 with arginine.
Molecular consequence: missense variant.
Genome position (GRCh38, 1-based): chr1:109,272,965, A>G. VCF-style: chr1-109272965-A-G. GRCh37 (hg19) VCF-style: chr1-109815587-A-G.
Other names: short protein forms Q2759R.
Identifiers: ClinVar variation 2060366 (VCV002060366.7), dbSNP rs377543974, ClinGen allele CA988522.

ClinVar aggregate classification (germline): Conflicting classifications of pathogenicity. Review status: criteria provided, conflicting classifications (1 of 4 stars). 3 submissions from 3 submitters: Uncertain significance (1); Likely benign (1). 1 of the submissions does not count toward it. Last evaluated 2025-04-07.

Conditions:
CELSR2-related disorder. Also called: CELSR2-related condition.

Allele frequency attached by ClinVar (database versions not stated): gnomAD exomes 0.00004; gnomAD 0.00009; TOPMed 0.00009; ExAC 0.00015; 1000 Genomes Project 30x 0.00031; 1000 Genomes Project 0.00040.
gnomAD v4.1: 82 of 1,614,066 alleles (0.0051%); highest among the groups gnomAD compares: East Asian, 0.12%; no homozygotes.

Submissions (3):

Labcorp Genetics (formerly Invitae), Labcorp
Classification: Likely benign. Last evaluated: 2025-04-07. Review status: criteria provided, single submitter. Criteria: Invitae Variant Classification Sherloc (09022015). Collection method: clinical testing. Allele origin: germline.

Ambry Genetics
Classification: Uncertain significance. Last evaluated: 2021-12-07. Review status: criteria provided, single submitter. Criteria: Ambry Variant Classification Scheme 2023. Collection method: clinical testing. Allele origin: germline.

PreventionGenetics, part of Exact Sciences
Classification: Likely benign for CELSR2-related condition. Last evaluated: 2023-01-03. Review status: no assertion criteria provided. Collection method: clinical testing. Allele origin: germline. Not counted in ClinVar's aggregate classification.
Comment: This variant is classified as likely benign based on ACMG/AMP sequence variant interpretation guidelines (Richards et al. 2015 PMID: 25741868, with internal and published modifications).